The following is an entry in ClinVar:

NM_002485.5(NBN):c.340G>A (p.Val114Ile)

Gene: NBN (nibrin; minus strand). Cytogenetic location: 8q21.3.
Variant type: single nucleotide variant.
Coding change: c.340G>A on transcript NM_002485.5 (MANE Select); coding-DNA position 340, G replaced by A.
Protein change: p.Val114Ile; replaces valine 114 with isoleucine.
Molecular consequence: missense variant.
Genome position (GRCh38, 1-based): chr8:89,980,874, C>T on the plus strand (G>A on the coding strand, the complement: NBN is on the minus strand). VCF-style: chr8-89980874-C-T. GRCh37 (hg19) VCF-style: chr8-90993102-C-T.
Other names: c.94G>A, p.Val32Ile (NM_001024688.3); short protein forms V114I, V32I.
Identifiers: ClinVar variation 231517 (VCV000231517.17), dbSNP rs771034958, ClinGen allele CA4802994.

ClinVar aggregate classification (germline): Uncertain significance. Review status: criteria provided, multiple submitters, no conflicts (2 of 4 stars). 3 submissions from 3 submitters: Uncertain significance (3). Last evaluated 2024-04-10.

Conditions:
Hereditary cancer-predisposing syndrome. Also called: Hereditary Cancer Syndrome; Neoplastic Syndromes, Hereditary; Tumor predisposition; Hereditary neoplastic syndrome. Identifiers: Orphanet 140162, MedGen C0027672, MeSH D009386, MONDO:0015356.
Microcephaly, normal intelligence and immunodeficiency (NBS). Also called: BERLIN BREAKAGE SYNDROME; Ataxia telangiectasia variant V1; IMMUNODEFICIENCY, MICROCEPHALY, AND CHROMOSOMAL INSTABILITY; SEEMANOVA SYNDROME II; Nijmegen breakage syndrome; Microcephaly with normal intelligence immunodeficiency and lymphoreticular malignancies. Identifiers: Orphanet 647, MedGen C0398791, MONDO:0009623, OMIM 251260.

Allele frequency attached by ClinVar (database versions not stated): gnomAD exomes below 0.00001; ExAC 0.00001.
gnomAD v4.1: 1 of 1,612,648 alleles (0.000062%); no homozygotes.

Submissions (3):

Labcorp Genetics (formerly Invitae), Labcorp
Classification: Uncertain significance for Microcephaly, normal intelligence and immunodeficiency. Last evaluated: 2024-04-10. Review status: criteria provided, single submitter. Criteria: Invitae Variant Classification Sherloc (09022015). Collection method: clinical testing. Allele origin: germline.
Comment: This sequence change replaces valine, which is neutral and non-polar, with isoleucine, which is neutral and non-polar, at codon 114 of the NBN protein (p.Val114Ile). This variant is present in population databases (rs771034958, gnomAD 0.0009%). This variant has not been reported in the literature in individuals affected with NBN-related conditions. ClinVar contains an entry for this variant (Variation ID: 231517). An algorithm developed to predict the effect of missense changes on protein structure and function (PolyPhen-2) suggests that this variant is likely to be tolerated. Algorithms developed to predict the effect of sequence changes on RNA splicing suggest that this variant may disrupt the consensus splice site. In summary, the available evidence is currently insufficient to determine the role of this variant in disease. Therefore, it has been classified as a Variant of Uncertain Significance.

Genome-Nilou Lab
Classification: Uncertain significance for Microcephaly, normal intelligence and immunodeficiency. Last evaluated: 2021-11-07. Review status: criteria provided, single submitter. Criteria: ACMG Guidelines, 2015. Collection method: clinical testing. Allele origin: germline. Affected: no.

Ambry Genetics
Classification: Uncertain significance for Hereditary cancer-predisposing syndrome. Last evaluated: 2016-03-29. Review status: criteria provided, single submitter. Criteria: Ambry Variant Classification Scheme 2023. Collection method: clinical testing. Allele origin: germline.
Comment: The p.V114I variant (also known as c.340G>A), located in coding exon 4 of the NBN gene, results from a G to A substitution at nucleotide position 340. The valine at codon 114 is replaced by isoleucine, an amino acid with highly similar properties. This variant was not reported in population based cohorts in the following databases: Database of Single Nucleotide Polymorphisms (dbSNP), NHLBI Exome Sequencing Project (ESP), and 1000 Genomes Project. In the ESP, this variant was not observed in 6503 samples (13006 alleles) with coverage at this position. To date, this alteration has been detected with an allele frequency of approximately 0.002% (greater than 120000 alleles tested) in our clinical cohort. This amino acid position is highly conserved in available vertebrate species. In addition, this alteration is predicted to be possibly damaging and tolerated by PolyPhen and SIFT in silico analyses, respectively. Since supporting evidence is limited at this time, the clinical significance of p.V114I remains unclear.